The following is an entry in ClinVar:

NM_001378452.1(ITPR1):c.4885C>T (p.Gln1629Ter)

Genes: BRRIAR (BHLHE40 and RIG-I regulating ITPR1 antisense RNA; minus strand), ITPR1 (inositol 1,4,5-trisphosphate receptor type 1; plus strand). Cytogenetic location: 3p26.1.
Variant type: single nucleotide variant.
Coding change: c.4885C>T on transcript NM_001378452.1 (MANE Select); coding-DNA position 4885, C replaced by T.
Protein change: p.Gln1629Ter; replaces glutamine 1629 with a stop codon.
Molecular consequence: nonsense.
Genome position (GRCh38, 1-based): chr3:4,710,367, C>T. VCF-style: chr3-4710367-C-T. GRCh37 (hg19) VCF-style: chr3-4752051-C-T.
Other names: c.4858C>T, p.Gln1620Ter (NM_001099952.4); c.4840C>T, p.Gln1614Ter (NM_001168272.2); c.4813C>T, p.Gln1605Ter (NM_002222.7); short protein forms Q1605*, Q1614*, Q1620*, Q1629*.
Identifiers: ClinVar variation 2444432 (VCV002444432.1), dbSNP rs2469879768, ClinGen allele CA351635893.
Genomic context (GRCh38, chr3:4,710,367, plus strand): 5'-GCTGTGTTTCCGTTTTAGGACATCGTCTCCGCGCTGGAGGACCGTCTCAGGCCCCTGGTG[C>T]AGGCAGAGTTATCTGTGCTCGTGGATGTTCTCCACAGACCCGAGCTGCTTTTCCCAGAGA-3'

ClinVar aggregate classification (germline): Likely pathogenic (1 of 4 stars; one submission).

Conditions:
Gillespie syndrome (GLSP). Also called: Aniridia, cerebellar ataxia, and mental deficiency; Aniridia-cerebellar ataxia-intellectual disability syndrome. Identifiers: Orphanet 1065, MedGen C0431401, MONDO:0008795, OMIM 206700.

Submission:

3billion
Classification: Likely pathogenic for Gillespie syndrome. Last evaluated: 2023-02-23. Review status: criteria provided, single submitter. Criteria: ACMG Guidelines, 2015. Collection method: clinical testing. Allele origin: unknown. Affected: yes.
Comment: The variant is not observed in the gnomAD v2.1.1 dataset. This variant was predicted to result in a loss or disruption of normal protein function through nonsense-mediated decay (NMD) or protein truncation. Multiple pathogenic variants are reported downstream of the variant. Therefore, this variant is classified as Likely pathogenic according to the recommendation of ACMG/AMP guideline.